The following is an entry in ClinVar:

NM_004360.5(CDH1):c.2266G>C (p.Asp756His)

Gene: CDH1 (cadherin 1; plus strand). Cytogenetic location: 16q22.1.
Variant type: single nucleotide variant.
Coding change: c.2266G>C on transcript NM_004360.5 (MANE Select); coding-DNA position 2266, G replaced by C.
Protein change: p.Asp756His; replaces aspartic acid 756 with histidine.
Molecular consequence: missense variant.
Genome position (GRCh38, 1-based): chr16:68,828,275, G>C. VCF-style: chr16-68828275-G-C. GRCh37 (hg19) VCF-style: chr16-68862178-G-C.
Other names: c.2266G>C (LRG_301t1); c.2083G>C, p.Asp695His (NM_001317184.2); c.718G>C, p.Asp240His (NM_001317185.2); c.301G>C, p.Asp101His (NM_001317186.2); short protein forms D756H, D101H, D695H, D240H.
Identifiers: ClinVar variation 532464 (VCV000532464.9), dbSNP rs1555517677, ClinGen allele CA396469974.

ClinVar aggregate classification (germline): Uncertain significance. Review status: criteria provided, multiple submitters, no conflicts (2 of 4 stars). 2 submissions from 2 submitters: Uncertain significance (2). Last evaluated 2023-10-05.

Conditions:
Hereditary diffuse gastric adenocarcinoma (HDGC). Also called: DIFFUSE GASTRIC AND LOBULAR BREAST CANCER SYNDROME. Identifiers: Orphanet 26106, MedGen C1708349, MONDO:0007648, OMIM 137215.
Hereditary cancer-predisposing syndrome. Also called: Neoplastic Syndromes, Hereditary; Hereditary neoplastic syndrome; Tumor predisposition; Hereditary Cancer Syndrome. Identifiers: Orphanet 140162, MedGen C0027672, MeSH D009386, MONDO:0015356.

Allele frequency attached by ClinVar (database versions not stated): gnomAD exomes below 0.00001.
gnomAD v4.1: 2 of 1,614,132 alleles (0.00012%); highest among the groups gnomAD compares: African/African-American, 0.0013%; no homozygotes.

Submissions (2):

Labcorp Genetics (formerly Invitae), Labcorp
Classification: Uncertain significance for Hereditary diffuse gastric adenocarcinoma. Last evaluated: 2023-10-05. Review status: criteria provided, single submitter. Criteria: Invitae Variant Classification Sherloc (09022015). Collection method: clinical testing. Allele origin: germline.
Comment: This sequence change replaces aspartic acid, which is acidic and polar, with histidine, which is basic and polar, at codon 756 of the CDH1 protein (p.Asp756His). This variant is not present in population databases (gnomAD no frequency). This variant has not been reported in the literature in individuals affected with CDH1-related conditions. ClinVar contains an entry for this variant (Variation ID: 532464). An algorithm developed to predict the effect of missense changes on protein structure and function (PolyPhen-2) suggests that this variant is likely to be disruptive. In summary, the available evidence is currently insufficient to determine the role of this variant in disease. Therefore, it has been classified as a Variant of Uncertain Significance.

Ambry Genetics
Classification: Uncertain significance for Hereditary cancer-predisposing syndrome. Last evaluated: 2022-10-19. Review status: criteria provided, single submitter. Criteria: Ambry Variant Classification Scheme 2023. Collection method: clinical testing. Allele origin: germline.
Comment: The p.D756H variant (also known as c.2266G>C), located in coding exon 14 of the CDH1 gene, results from a G to C substitution at nucleotide position 2266. The aspartic acid at codon 756 is replaced by histidine, an amino acid with similar properties. This amino acid position is conserved. In addition, this alteration is predicted to be deleterious by in silico analysis. Since supporting evidence is limited at this time, the clinical significance of this alteration remains unclear.